The following is an entry in ClinVar:

ClinVar aggregate classification (germline): Uncertain significance. Review status: criteria provided, multiple submitters, no conflicts (2 of 4 stars). 4 submissions from 3 submitters: Uncertain significance (4). Last evaluated 2023-11-04.

Conditions:
Retinitis pigmentosa 39 (RP39). Identifiers: Orphanet 791, MedGen C3151138, MONDO:0013436, OMIM 613809.
Usher syndrome type 2A. Also called: USHER SYNDROME, TYPE IIA; RETINAL DISEASE IN USHER SYNDROME TYPE IIA, MODIFIER OF. Identifiers: Orphanet 231178, Orphanet 886, MedGen C1848634, MONDO:0010169, OMIM 276901.

gnomAD v4.1: 3 of 1,614,112 alleles (0.00019%); highest among the groups gnomAD compares: Admixed American, 0.0033%; no homozygotes.

Submissions (4):

Genome-Nilou Lab
Classification: Uncertain significance for Retinitis pigmentosa 39. Last evaluated: 2023-11-04. Review status: criteria provided, single submitter. Criteria: ACMG Guidelines, 2015. Collection method: clinical testing. Allele origin: germline. Affected: no.

Genome-Nilou Lab
Classification: Uncertain significance for Usher syndrome type 2A. Last evaluated: 2023-11-04. Review status: criteria provided, single submitter. Criteria: ACMG Guidelines, 2015. Collection method: clinical testing. Allele origin: germline. Affected: no.

Women's Health and Genetics/Laboratory Corporation of America, LabCorp
Classification: Uncertain significance. Last evaluated: 2023-08-09. Review status: criteria provided, single submitter. Criteria: LabCorp Variant Classification Summary - May 2015. Collection method: clinical testing. Allele origin: germline.
Comment: Variant summary: USH2A c.13894C>T (p.Pro4632Ser) results in a non-conservative amino acid change in the encoded protein sequence. Five of five in-silico tools predict a damaging effect of the variant on protein function. The variant allele was found at a frequency of 8e-06 in 251086 control chromosomes (gnomAD). The available data on variant occurrences in the general population are insufficient to allow any conclusion about variant significance. c.13894C>T has been reported in the literature in an individual affected with retinitis pigmentosa (example: Garcia_2021). These data do not allow any conclusion about variant significance. To our knowledge, no experimental evidence demonstrating an impact on protein function has been reported. The following publication has been ascertained in the context of this evaluation (PMID: 34327195). One submitter has cited clinical-significance assessments for this variant to ClinVar after 2014 and has classified the variant as uncertain significance. Based on the evidence outlined above, the variant was classified as uncertain significance.

Labcorp Genetics (formerly Invitae), Labcorp
Classification: Uncertain significance. Last evaluated: 2022-08-23. Review status: criteria provided, single submitter. Criteria: Invitae Variant Classification Sherloc (09022015). Collection method: clinical testing. Allele origin: germline.
Comment: This sequence change replaces proline, which is neutral and non-polar, with serine, which is neutral and polar, at codon 4632 of the USH2A protein (p.Pro4632Ser). This variant is present in population databases (no rsID available, gnomAD 0.003%). This missense change has been observed in individual(s) with retinitis pigmentosa (PMID: 34327195). Algorithms developed to predict the effect of missense changes on protein structure and function (SIFT, PolyPhen-2, Align-GVGD) all suggest that this variant is likely to be disruptive. In summary, the available evidence is currently insufficient to determine the role of this variant in disease. Therefore, it has been classified as a Variant of Uncertain Significance.

Literature cited by the submitters: PubMed 34327195 (cited by Women's Health and Genetics/Laboratory Corporation of America, LabCorp and Labcorp Genetics (formerly Invitae), Labcorp).

NM_206933.4(USH2A):c.13894C>T (p.Pro4632Ser)

Gene: USH2A (usherin; minus strand). Cytogenetic location: 1q41.
Variant type: single nucleotide variant.
Coding change: c.13894C>T on transcript NM_206933.4 (MANE Select); coding-DNA position 13894, C replaced by T.
Protein change: p.Pro4632Ser; replaces proline 4632 with serine.
Molecular consequence: missense variant.
Genome position (GRCh38, 1-based): chr1:215,671,211, G>A on the plus strand (C>T on the coding strand, the complement: USH2A is on the minus strand). VCF-style: chr1-215671211-G-A. GRCh37 (hg19) VCF-style: chr1-215844553-G-A.
Other names: c.13894C>T (NM_206933.2); short protein forms P4632S.
Identifiers: ClinVar variation 2154717 (VCV002154717.3), dbSNP rs1397044127, ClinGen allele CA344841491.
Genomic context (GRCh38, chr1:215,671,211, plus strand): 5'-TTGGCTGGAATCCTCCTGGAGCCATTTGTACCTCCAGATGTGGAGGGGGTTGCATCAAAG[G>A]TGCAATCTCAGGGGTCTGTATGAATGTCCAGTCACTTGATGCACATCCCAGGGTGGTGCA-3'
Protein context (NP_996816.3, residues 4622-4642): WTFIQTPEIA[Pro4632Ser]LMQPPPHLEV